The following is an entry in ClinVar:

ClinVar aggregate classification (germline): Uncertain significance. Review status: criteria provided, multiple submitters, no conflicts (2 of 4 stars). 2 submissions from 2 submitters: Uncertain significance (2). Last evaluated 2026-03-17.

Conditions:
Dyskeratosis congenita, autosomal dominant 2. Identifiers: MedGen C3151443, MONDO:0013521, OMIM 613989.
Idiopathic Pulmonary Fibrosis. Also called: idiopathic fibrosing alveolitis; Idiopathic fibrosing alveolitis, chronic form. Identifiers: Orphanet 2032, MedGen C1800706, MeSH D054990, MONDO:0800504.
Dyskeratosis congenita. Identifiers: Orphanet 1775, MedGen C0265965, MONDO:0015780.

Submissions (2):

Ambry Genetics
Classification: Uncertain significance for Dyskeratosis congenita. Last evaluated: 2026-03-17. Review status: criteria provided, single submitter. Criteria: Ambry Variant Classification Scheme 2023. Collection method: clinical testing. Allele origin: germline.
Comment: The p.R6G variant (also known as c.16C>G), located in coding exon 1 of the TERT gene, results from a C to G substitution at nucleotide position 16. The arginine at codon 6 is replaced by glycine, an amino acid with dissimilar properties. This amino acid position is conserved. In addition, the in silico prediction for this alteration is inconclusive. Based on the available evidence, the clinical significance of this variant remains unclear.

Labcorp Genetics (formerly Invitae), Labcorp
Classification: Uncertain significance for Dyskeratosis congenita, autosomal dominant 2; Idiopathic Pulmonary Fibrosis. Last evaluated: 2023-10-16. Review status: criteria provided, single submitter. Criteria: Invitae Variant Classification Sherloc (09022015). Collection method: clinical testing. Allele origin: germline.
Comment: This sequence change replaces arginine, which is basic and polar, with glycine, which is neutral and non-polar, at codon 6 of the TERT protein (p.Arg6Gly). This variant is not present in population databases (gnomAD no frequency). This variant has not been reported in the literature in individuals affected with TERT-related conditions. ClinVar contains an entry for this variant (Variation ID: 840998). Advanced modeling of protein sequence and biophysical properties (such as structural, functional, and spatial information, amino acid conservation, physicochemical variation, residue mobility, and thermodynamic stability) has been performed at Invitae for this missense variant, however the output from this modeling did not meet the statistical confidence thresholds required to predict the impact of this variant on TERT protein function. In summary, the available evidence is currently insufficient to determine the role of this variant in disease. Therefore, it has been classified as a Variant of Uncertain Significance.

NM_198253.3(TERT):c.16C>G (p.Arg6Gly)

Genes: TERT (telomerase reverse transcriptase; minus strand), LOC110806263 (TERT 5' regulatory region; plus strand). Cytogenetic location: 5p15.33.
Variant type: single nucleotide variant.
Coding change: c.16C>G on transcript NM_198253.3 (MANE Select); coding-DNA position 16, C replaced by G.
Protein change: p.Arg6Gly; replaces arginine 6 with glycine.
Molecular consequence: missense variant. On other transcripts: non-coding transcript variant (2).
Genome position (GRCh38, 1-based): chr5:1,294,974, G>C on the plus strand (C>G on the coding strand, the complement: TERT is on the minus strand). VCF-style: chr5-1294974-G-C. GRCh37 (hg19) VCF-style: chr5-1295089-G-C.
Other names: c.16C>G, p.Arg6Gly (NM_001193376.3); short protein forms R6G.
Identifiers: ClinVar variation 840998 (VCV000840998.11), dbSNP rs1751302097, ClinGen allele CA359060013.